The following is an entry in ClinVar:

NM_003073.5(SMARCB1):c.332C>G (p.Ser111Cys)

Gene: SMARCB1 (SWI/SNF related BAF chromatin remodeling complex subunit B1; plus strand). Cytogenetic location: 22q11.23.
Variant type: single nucleotide variant.
Coding change: c.332C>G on transcript NM_003073.5 (MANE Select); coding-DNA position 332, C replaced by G.
Protein change: p.Ser111Cys; replaces serine 111 with cysteine.
Molecular consequence: missense variant.
Genome position (GRCh38, 1-based): chr22:23,793,658, C>G. VCF-style: chr22-23793658-C-G. GRCh37 (hg19) VCF-style: chr22-24135845-C-G.
Other names: c.305C>G, p.Ser102Cys (NM_001007468.3, NM_001317946.2); c.332C>G, p.Ser111Cys (NM_001362877.2); short protein forms S102C, S111C.
Identifiers: ClinVar variation 1919200 (VCV001919200.7), dbSNP rs1162709488, ClinGen allele CA410933991.

ClinVar aggregate classification (germline): Uncertain significance. Review status: criteria provided, multiple submitters, no conflicts (2 of 4 stars). 2 submissions from 2 submitters: Uncertain significance (2). Last evaluated 2024-05-15.

Conditions:
Hereditary cancer-predisposing syndrome. Also called: Hereditary Cancer Syndrome; Hereditary neoplastic syndrome; Neoplastic Syndromes, Hereditary; Tumor predisposition. Identifiers: Orphanet 140162, MedGen C0027672, MeSH D009386, MONDO:0015356.

gnomAD v4.1: 1 of 1,614,094 alleles (0.000062%); highest among the groups gnomAD compares: Admixed American, 0.0017%; no homozygotes.

Submissions (2):

Labcorp Genetics (formerly Invitae), Labcorp
Classification: Uncertain significance. Last evaluated: 2024-05-15. Review status: criteria provided, single submitter. Criteria: Invitae Variant Classification Sherloc (09022015). Collection method: clinical testing. Allele origin: germline.
Comment: This sequence change replaces serine, which is neutral and polar, with cysteine, which is neutral and slightly polar, at codon 111 of the SMARCB1 protein (p.Ser111Cys). This variant is present in population databases (no rsID available, gnomAD no frequency). This variant has not been reported in the literature in individuals affected with SMARCB1-related conditions. ClinVar contains an entry for this variant (Variation ID: 1919200). Advanced modeling of protein sequence and biophysical properties (such as structural, functional, and spatial information, amino acid conservation, physicochemical variation, residue mobility, and thermodynamic stability) has been performed at Invitae for this missense variant, however the output from this modeling did not meet the statistical confidence thresholds required to predict the impact of this variant on SMARCB1 protein function. In summary, the available evidence is currently insufficient to determine the role of this variant in disease. Therefore, it has been classified as a Variant of Uncertain Significance.

Ambry Genetics
Classification: Uncertain significance for Hereditary cancer-predisposing syndrome. Last evaluated: 2023-09-04. Review status: criteria provided, single submitter. Criteria: Ambry Variant Classification Scheme 2023. Collection method: clinical testing. Allele origin: germline.
Comment: The p.S111C variant (also known as c.332C>G), located in coding exon 3 of the SMARCB1 gene, results from a C to G substitution at nucleotide position 332. The serine at codon 111 is replaced by cysteine, an amino acid with dissimilar properties. This amino acid position is highly conserved in available vertebrate species. In addition, this alteration is predicted to be deleterious by in silico analysis. Missense and in-frame variants in SMARCB1 are known to cause neurodevelopmental disorders; however, such associations with rhabdoid tumor predisposition syndrome are exceedingly rare (Kosho T et al. Am J Med Genet C Semin Med Genet. 2014 Sep;166C(3):262-75; Eaton KW et al. Pediatr Blood Cancer. 2011 Jan;56(1):7-15). Since supporting evidence is limited at this time, the clinical significance of this alteration remains unclear.